The following is an entry in ClinVar:

NM_005243.4(EWSR1):c.1294+6A>T

Gene: EWSR1 (EWS RNA binding protein 1; plus strand). Cytogenetic location: 22q12.2.
Variant type: single nucleotide variant.
Coding change: c.1294+6A>T on transcript NM_005243.4 (MANE Select); 6 bases into the intron after coding-DNA position 1294, A replaced by T.
Molecular consequence: intron variant.
Genome position (GRCh38, 1-based): chr22:29,296,374, A>T. VCF-style: chr22-29296374-A-T. GRCh37 (hg19) VCF-style: chr22-29692364-A-T.
Other names: c.1309+6A>T (NM_013986.4); c.1291+6A>T (NM_001163285.2); c.1126+6A>T (NM_001163286.2).
Identifiers: ClinVar variation 731471 (VCV000731471.5), dbSNP rs115283640, ClinGen allele CA10171686.

ClinVar aggregate classification (germline): Likely benign. Review status: criteria provided, single submitter (1 of 4 stars). 2 submissions from 2 submitters: Likely benign (1). 1 of the submissions does not count toward it. Last evaluated 2018-05-23.

Conditions:
EWSR1-related disorder. Also called: EWSR1-related condition.

Allele frequency attached by ClinVar (database versions not stated): gnomAD exomes 0.00034; ExAC 0.00035; 1000 Genomes Project 0.00120; TOPMed 0.00133; ESP Exome Variant Server 0.00146; gnomAD 0.00148 and 0.00162; 1000 Genomes Project 30x 0.00156.
gnomAD v4.1: 428 of 1,613,804 alleles (0.027%); highest among the groups gnomAD compares: African/African-American, 0.52%; 1 homozygote.

Submissions (2):

Labcorp Genetics (formerly Invitae), Labcorp
Classification: Likely benign. Last evaluated: 2018-05-23. Review status: criteria provided, single submitter. Criteria: Invitae Variant Classification Sherloc (09022015). Collection method: clinical testing. Allele origin: germline.

PreventionGenetics, part of Exact Sciences
Classification: Likely benign for EWSR1-related condition. Last evaluated: 2020-08-06. Review status: no assertion criteria provided. Collection method: clinical testing. Allele origin: germline. Not counted in ClinVar's aggregate classification.
Comment: This variant is classified as likely benign based on ACMG/AMP sequence variant interpretation guidelines (Richards et al. 2015 PMID: 25741868, with internal and published modifications).